The following is an entry in ClinVar:

NM_017547.4(FOXRED1):c.852C>T (p.Cys284=)

Gene: FOXRED1 (FAD dependent oxidoreductase domain containing 1; plus strand). Cytogenetic location: 11q24.2.
Variant type: single nucleotide variant.
Coding change: c.852C>T on transcript NM_017547.4 (MANE Select); coding-DNA position 852, C replaced by T.
Protein change: p.Cys284=; no amino-acid change (cysteine 284 retained).
Molecular consequence: synonymous variant. On other transcripts: non-coding transcript variant (2).
Genome position (GRCh38, 1-based): chr11:126,276,100, C>T. VCF-style: chr11-126276100-C-T. GRCh37 (hg19) VCF-style: chr11-126145995-C-T.
Identifiers: ClinVar variation 508521 (VCV000508521.4), dbSNP rs546801411, ClinGen allele CA6354243.

ClinVar aggregate classification (germline): Likely benign. Review status: criteria provided, multiple submitters, no conflicts (2 of 4 stars). 2 submissions from 2 submitters: Likely benign (2). Last evaluated 2026-01-21.

Allele frequency attached by ClinVar (database versions not stated): TOPMed below 0.00001; gnomAD 0.00001; ExAC 0.00002; 1000 Genomes Project 30x 0.00016; 1000 Genomes Project 0.00020.
gnomAD v4.1: 17 of 1,612,778 alleles (0.0011%); highest among the groups gnomAD compares: East Asian, 0.031%; no homozygotes.

Submissions (2):

Labcorp Genetics (formerly Invitae), Labcorp
Classification: Likely benign. Last evaluated: 2026-01-21. Review status: criteria provided, single submitter. Criteria: Invitae Variant Classification Sherloc (09022015). Collection method: clinical testing. Allele origin: germline.

GeneDx
Classification: Likely benign. Last evaluated: 2017-04-07. Review status: criteria provided, single submitter. Criteria: GeneDx Variant Classification (06012015). Collection method: clinical testing. Allele origin: germline. Affected: yes.
Comment: This variant is considered likely benign or benign based on one or more of the following criteria: it is a conservative change, it occurs at a poorly conserved position in the protein, it is predicted to be benign by multiple in silico algorithms, and/or has population frequency not consistent with disease.